The following is an entry in ClinVar:

ClinVar aggregate classification (germline): Likely pathogenic. Review status: criteria provided, multiple submitters, no conflicts (2 of 4 stars). 3 submissions from 3 submitters: Likely pathogenic (2). 1 of the submissions does not count toward it. Last evaluated 2024-12-17.

Conditions:
Charcot-Marie-Tooth disease type 2. Also called: Charcot-Marie-Tooth type 2. Identifiers: Orphanet 64746, MedGen C0270914, MONDO:0018993.

Submissions (3):

Labcorp Genetics (formerly Invitae), Labcorp
Classification: Likely pathogenic for Charcot-Marie-Tooth disease type 2. Last evaluated: 2024-12-17. Review status: criteria provided, single submitter. Criteria: Invitae Variant Classification Sherloc (09022015). Collection method: clinical testing. Allele origin: germline.
Comment: This sequence change replaces lysine, which is basic and polar, with threonine, which is neutral and polar, at codon 219 of the LMNA protein (p.Lys219Thr). This variant is not present in population databases (gnomAD no frequency). This missense change has been observed in individuals with autosomal dominant LMNA-related conditions (PMID: 18795223, 18926329, 23463027). ClinVar contains an entry for this variant (Variation ID: 66922). Invitae Evidence Modeling of protein sequence and biophysical properties (such as structural, functional, and spatial information, amino acid conservation, physicochemical variation, residue mobility, and thermodynamic stability) indicates that this missense variant is expected to disrupt LMNA protein function with a positive predictive value of 95%. In summary, the currently available evidence indicates that the variant is pathogenic, but additional data are needed to prove that conclusively. Therefore, this variant has been classified as Likely Pathogenic.

GeneDx
Classification: Likely pathogenic. Last evaluated: 2023-08-24. Review status: criteria provided, single submitter. Criteria: GeneDx Variant Classification Process June 2021. Collection method: clinical testing. Allele origin: germline. Affected: yes.
Comment: Identified in an individual with DCM plus atrioventricular block; two out of three additional family members were also reportedly affected and had the familial variant (Pasotti et al., 2008); Identified in an extended family with 14 affected individuals, four of whom showed severe cardiomyopathy by early adulthood (Roncarati et al., 2013); all 14 affected family members were found to harbor the p.(K219T) variant but an additional missense variant in the TTN gene, p.(L4855F), was identified in the severely affected patients. Myocardial specimens from individuals who were doubly heterozygous for the familial LMNA and TTN variants showed increased nuclear length, sarcomeric disorganization, and myonuclear clustering compared to muscle samples from individuals who only carried the LMNA K219T variant. The authors suggest that in this particular family, the p.(L4855F) variant in the TTN gene may act as a modifier for familial DCM; Not observed at significant frequency in large population cohorts (gnomAD); Published functional studies suggest a damaging effect using patient-derived cardiomyocytes with the p.(K219T) variant that show abnormal action potential and sodium channel properties as well as abnormal SCN5A expression (Salvarani et al., 2019); isogenic correction of the p.(K219T) mutation was able to restore INa properties and SCN5A expression; Published functional study suggests that patient fibroblasts carrying the p.(K219T) variant showed decreased nuclear localization (Ho et al., 2013); Published functional studies suggest a damaging effect as the p.(K219T) variant results in formation of aggregates and increased the bind affinity for LA/LB1 meshworks (Bhattacharjee et al., 2017); In silico analysis supports that this missense variant has a deleterious effect on protein structure/function; This variant is associated with the following publications: (PMID: 35935653, 32719615, 30858397, 36899919, 31427369, 36503349, 34975533, 34408666, 33923914, 33803477, 35159226, 36704457, 35453731, 34887928, 32326823, 35163304, 35846372, 30764827, 32155092, 34768351, 36274847, 30425656, 18795223, 24860693, 31118417, 10939567, 23463027, 18926329, 28844980, 27182706, 27493940)

Epithelial Biology;  Institute of Medical Biology, Singapore
No classification provided. Review status: no classification provided. Collection method: not provided. Allele origin: not provided. Not counted in ClinVar's aggregate classification.

Literature cited by the submitters: PubMed 18795223 (cited by Labcorp Genetics (formerly Invitae), Labcorp); PubMed 18926329 (cited by Labcorp Genetics (formerly Invitae), Labcorp); PubMed 23463027 (cited by Labcorp Genetics (formerly Invitae), Labcorp).

NM_170707.4(LMNA):c.656A>C (p.Lys219Thr)

Gene: LMNA (lamin A/C; plus strand). Cytogenetic location: 1q22.
Variant type: single nucleotide variant.
Coding change: c.656A>C on transcript NM_170707.4 (MANE Select); coding-DNA position 656, A replaced by C.
Protein change: p.Lys219Thr; replaces lysine 219 with threonine.
Molecular consequence: missense variant.
Genome position (GRCh38, 1-based): chr1:156,134,821, A>C. VCF-style: chr1-156134821-A-C. GRCh37 (hg19) VCF-style: chr1-156104612-A-C.
Other names: c.413A>C, p.Lys138Thr (NM_001282624.2); c.656A>C, p.Lys219Thr (NM_001282625.2, NM_001282626.2, NM_005572.4 and 1 more transcripts); c.320A>C, p.Lys107Thr (NM_001257374.3); short protein forms K219T, K138T, K107T.
Identifiers: ClinVar variation 66922 (VCV000066922.6), dbSNP rs267607584, ClinGen allele CA018400.
Genomic context (GRCh38, chr1:156,134,821, plus strand): 5'-TAATTCTGATTTTGGTTTCTGTGTCCTTCCTCCAACCCTTCCAGGAGCTGCGTGAGACCA[A>C]GCGCCGTCATGAGACCCGACTGGTGGAGATTGACAATGGGAAGCAGCGTGAGTTTGAGAG-3'
Protein context (NP_733821.1, residues 209-229): NIYSEELRET[Lys219Thr]RRHETRLVEI